The following is an entry in ClinVar:

NM_006231.4(POLE):c.4204G>C (p.Val1402Leu)

Gene: POLE (DNA polymerase epsilon, catalytic subunit; minus strand). Cytogenetic location: 12q24.33.
Variant type: single nucleotide variant.
Coding change: c.4204G>C on transcript NM_006231.4 (MANE Select); coding-DNA position 4204, G replaced by C.
Protein change: p.Val1402Leu; replaces valine 1402 with leucine.
Molecular consequence: missense variant.
Genome position (GRCh38, 1-based): chr12:132,643,923, C>G on the plus strand (G>C on the coding strand, the complement: POLE is on the minus strand). VCF-style: chr12-132643923-C-G. GRCh37 (hg19) VCF-style: chr12-133220509-C-G.
Other names: short protein forms V1402L.
Identifiers: ClinVar variation 3422196 (VCV003422196.1).

ClinVar aggregate classification (germline): Uncertain significance (1 of 4 stars; one submission).

Conditions:
Hereditary cancer-predisposing syndrome. Also called: Neoplastic Syndromes, Hereditary; Tumor predisposition; Hereditary Cancer Syndrome; Hereditary neoplastic syndrome. Identifiers: Orphanet 140162, MedGen C0027672, MeSH D009386, MONDO:0015356.

gnomAD v4.1: 4 of 1,614,160 alleles (0.00025%); highest among the groups gnomAD compares: South Asian, 0.0044%; no homozygotes.

Submission:

Ambry Genetics
Classification: Uncertain significance for Hereditary cancer-predisposing syndrome. Last evaluated: 2024-10-18. Review status: criteria provided, single submitter. Criteria: Ambry Variant Classification Scheme 2023. Collection method: clinical testing. Allele origin: germline.
Comment: The p.V1402L variant (also known as c.4204G>C), located in coding exon 33 of the POLE gene, results from a G to C substitution at nucleotide position 4204. The valine at codon 1402 is replaced by leucine, an amino acid with highly similar properties. This amino acid position is conserved. In addition, this alteration is predicted to be tolerated by in silico analysis. Based on the available evidence, the clinical significance of this variant remains unclear.